The following is an entry in ClinVar:

NM_005726.6(TSFM):c.58G>A (p.Ala20Thr)

Gene: TSFM (Ts translation elongation factor, mitochondrial; plus strand). Cytogenetic location: 12q14.1.
Variant type: single nucleotide variant.
Coding change: c.58G>A on transcript NM_005726.6 (MANE Select); coding-DNA position 58, G replaced by A.
Protein change: p.Ala20Thr; replaces alanine 20 with threonine.
Molecular consequence: missense variant.
Genome position (GRCh38, 1-based): chr12:57,783,110, G>A. VCF-style: chr12-57783110-G-A. GRCh37 (hg19) VCF-style: chr12-58176893-G-A.
Other names: c.58G>A, p.Ala20Thr (NM_001172695.2, NM_001172696.2, NM_001172697.2); short protein forms A20T.
Identifiers: ClinVar variation 2163746 (VCV002163746.1), dbSNP rs751714956, ClinGen allele CA6659204.

ClinVar aggregate classification (germline): Uncertain significance (1 of 4 stars; one submission).

Allele frequency attached by ClinVar (database versions not stated): TOPMed 0.00002.
gnomAD v4.1: 49 of 1,608,316 alleles (0.003%); highest among the groups gnomAD compares: Non-Finnish European, 0.0039%; no homozygotes.

Submission:

Labcorp Genetics (formerly Invitae), Labcorp
Classification: Uncertain significance. Last evaluated: 2022-04-20. Review status: criteria provided, single submitter. Criteria: Invitae Variant Classification Sherloc (09022015). Collection method: clinical testing. Allele origin: germline.
Comment: This sequence change replaces alanine, which is neutral and non-polar, with threonine, which is neutral and polar, at codon 20 of the TSFM protein (p.Ala20Thr). This variant is present in population databases (rs751714956, gnomAD 0.007%). This variant has not been reported in the literature in individuals affected with TSFM-related conditions. Algorithms developed to predict the effect of missense changes on protein structure and function (SIFT, PolyPhen-2, Align-GVGD) all suggest that this variant is likely to be tolerated. In summary, the available evidence is currently insufficient to determine the role of this variant in disease. Therefore, it has been classified as a Variant of Uncertain Significance.